The following is an entry in ClinVar:

NM_000245.4(MET):c.3356_3358del (p.Gly1119del)

Gene: MET (MET proto-oncogene, receptor tyrosine kinase; plus strand). Cytogenetic location: 7q31.2.
Variant type: Deletion.
Coding change: c.3356_3358del on transcript NM_000245.4 (MANE Select); coding-DNA positions 3356 to 3358, 3 bases deleted (GAG; older notation c.3356_3358delGAG).
Protein change: p.Gly1119del; deletes glycine 1119.
Molecular consequence: inframe deletion.
Genome position (GRCh38, 1-based): chr7:116,778,791-116,778,793, GAG deleted; deleting any 3 consecutive bases within chr7:116,778,789-116,778,793 gives the same sequence; the c. name uses the placement nearest the transcript's 3' end. VCF-style (leftmost placement, unchanged base first): chr7-116778788-TAGG-T. GRCh37 (hg19) VCF-style: chr7-116418842-TAGG-T.
Other names: c.3410_3412del, p.Gly1137del (NM_001127500.3); c.2066_2068del, p.Gly689del (NM_001324402.2); short protein forms G689del, G1119del, G1137del.
Identifiers: ClinVar variation 823742 (VCV000823742.14), dbSNP rs1584961122, ClinGen allele CA915945451.

ClinVar aggregate classification (germline): Uncertain significance. Review status: criteria provided, multiple submitters, no conflicts (2 of 4 stars). 2 submissions from 2 submitters: Uncertain significance (2). Last evaluated 2025-05-05.

Conditions:
Hereditary cancer-predisposing syndrome. Also called: Neoplastic Syndromes, Hereditary; Tumor predisposition; Hereditary neoplastic syndrome; Hereditary Cancer Syndrome. Identifiers: Orphanet 140162, MedGen C0027672, MeSH D009386, MONDO:0015356.
Renal cell carcinoma. Identifiers: Orphanet 217071, MedGen C0007134, MeSH D002292, MONDO:0005086, HP:0005584.

Submissions (2):

Ambry Genetics
Classification: Uncertain significance for Hereditary cancer-predisposing syndrome. Last evaluated: 2025-05-05. Review status: criteria provided, single submitter. Criteria: Ambry Variant Classification Scheme 2023. Collection method: clinical testing. Allele origin: germline.
Comment: The c.3410_3412delGAG variant (also known as p.G1137del) is located in coding exon 16 of the MET gene. This variant results from an in-frame GAG deletion at nucleotide positions 3410 to 3412. This results in the in-frame deletion of a glycine at codon 1137. This amino acid position is not well conserved in available vertebrate species. In addition, this alteration is predicted to be deleterious by in silico analysis (Choi Y et al. PLoS ONE. 2012; 7(10):e46688). Based on the available evidence, the clinical significance of this variant remains unclear.

Labcorp Genetics (formerly Invitae), Labcorp
Classification: Uncertain significance for Renal cell carcinoma. Last evaluated: 2018-06-30. Review status: criteria provided, single submitter. Criteria: Invitae Variant Classification Sherloc (09022015). Collection method: clinical testing. Allele origin: germline.
Comment: In summary, the available evidence is currently insufficient to determine the role of this variant in disease. Therefore, it has been classified as a Variant of Uncertain Significance. Experimental studies and prediction algorithms are not available for this variant, and the functional significance of the deleted amino acid is currently unknown. This variant has not been reported in the literature in individuals with MET-related disease. This variant is not present in population databases (ExAC no frequency). This variant, c.3410_3412delGAG, results in the deletion of 1 amino acid of the MET protein (p.Gly1137del), but otherwise preserves the integrity of the reading frame.